The following is an entry in ClinVar:

ClinVar aggregate classification (germline): Benign/Likely benign. Review status: criteria provided, multiple submitters, no conflicts (2 of 4 stars). 13 submissions from 13 submitters: Benign (3); Likely benign (8). 2 of the submissions do not count toward it. Last evaluated 2026-05-01.

Conditions:
Inborn genetic diseases. Identifiers: MedGen C0950123, MeSH D030342.
LRSAM1-related disorder. Also called: LRSAM1-related condition.
Charcot-Marie-Tooth disease. Also called: Charcot-Marie-Tooth Hereditary Neuropathy; Charcot-Marie-Tooth Neuropathy. Identifiers: Orphanet 166, MedGen C0007959, MONDO:0015626.
Charcot-Marie-Tooth disease axonal type 2P. Also called: Charcot-Marie-Tooth Neuropathy Type 2G; CHARCOT-MARIE-TOOTH NEUROPATHY, TYPE 2P; CHARCOT-MARIE-TOOTH DISEASE, AXONAL, TYPE 2G; CMT 2G. Identifiers: Orphanet 300319, Orphanet 99941, MedGen C3280797, MONDO:0013753, OMIM 614436.

Allele frequency attached by ClinVar (database versions not stated): 1000 Genomes Project 0.00020; 1000 Genomes Project 30x 0.00031; TOPMed 0.00117; gnomAD 0.00126 and 0.00133; gnomAD exomes 0.00128 and 0.00224; ExAC 0.00134; ESP Exome Variant Server 0.00177.
gnomAD v4.1: 3,407 of 1,613,760 alleles (0.21%); highest among the groups gnomAD compares: Non-Finnish European, 0.27%; 8 homozygotes.

Submissions (13):

CeGaT Center for Human Genetics Tuebingen
Classification: Likely benign. Last evaluated: 2026-05-01. Review status: criteria provided, single submitter. Criteria: CeGaT Center For Human Genetics Tuebingen Variant Classification Criteria Version 2. Collection method: clinical testing. Allele origin: germline. Affected: yes. Observed: 8 variant alleles.
Comment: LRSAM1: BP4, BS2

Women's Health and Genetics/Laboratory Corporation of America, LabCorp
Classification: Likely benign. Last evaluated: 2026-02-17. Review status: criteria provided, single submitter. Criteria: LabCorp Variant Classification Summary - May 2015. Collection method: clinical testing. Allele origin: germline.
Comment: Variant summary: LRSAM1 c.268G>A (p.Asp90Asn) results in a conservative amino acid change in the encoded protein sequence. Algorithms developed to predict the effect of missense changes on protein structure and function all suggest that this variant is likely to be tolerated. The variant allele was found at a frequency of 0.0013 in 251146 control chromosomes in the gnomAD database, including 1 homozygotes. The observed variant frequency exceeds the estimated maximal expected allele frequency for disease-causing variants in LRSAM1. c.268G>A has been observed in individual(s) affected with Charcot-Marie-Tooth disease axonal type 2P-AR. These report(s) do not provide unequivocal conclusions about association of the variant with Charcot-Marie-Tooth disease axonal type 2P-AR. To our knowledge, no experimental evidence demonstrating an impact on protein function has been reported. The following publication has been ascertained in the context of this evaluation (PMID: 32376792). ClinVar contains an entry for this variant (Variation ID: 234345). Based on the evidence outlined above, the variant was classified as likely benign.

Labcorp Genetics (formerly Invitae), Labcorp
Classification: Likely benign for Charcot-Marie-Tooth disease axonal type 2P. Last evaluated: 2026-01-27. Review status: criteria provided, single submitter. Criteria: Invitae Variant Classification Sherloc (09022015). Collection method: clinical testing. Allele origin: germline.

PreventionGenetics, part of Exact Sciences
Classification: Likely benign for LRSAM1-related condition. Last evaluated: 2025-04-02. Review status: criteria provided, single submitter. Criteria: ACMG Guidelines, 2015. Collection method: clinical testing. Allele origin: germline.
Comment: This variant is classified as likely benign based on ACMG/AMP sequence variant interpretation guidelines (Richards et al. 2015 PMID: 25741868, with internal and published modifications).

Blueprint Genetics
Classification: Likely benign. Last evaluated: 2024-10-16. Review status: criteria provided, single submitter. Criteria: ACMG Guidelines, 2015. Collection method: clinical testing. Allele origin: germline.

Mayo Clinic Laboratories, Mayo Clinic
Classification: Benign. Last evaluated: 2024-08-13. Review status: criteria provided, single submitter. Criteria: ACMG Guidelines, 2015. Collection method: clinical testing. Allele origin: germline. Observed: 13 variant alleles.
Comment: BS1, BS2, BP4

ARUP Laboratories, Molecular Genetics and Genomics, ARUP Laboratories
Classification: Likely benign for Charcot-Marie-Tooth disease axonal type 2P. Last evaluated: 2021-03-18. Review status: criteria provided, single submitter. Criteria: ARUP Molecular Germline Variant Investigation Process 2021. Collection method: clinical testing. Allele origin: germline.

Ambry Genetics
Classification: Likely benign for Inborn genetic diseases. Last evaluated: 2019-11-12. Review status: criteria provided, single submitter. Criteria: Ambry Variant Classification Scheme 2023. Collection method: clinical testing. Allele origin: germline.

GeneDx
Classification: Benign. Last evaluated: 2019-04-05. Review status: criteria provided, single submitter. Criteria: GeneDx Variant Classification Process June 2021. Collection method: clinical testing. Allele origin: germline. Affected: yes.
Comment: This variant is associated with the following publications: (PMID: 32376792)

Illumina Laboratory Services, Illumina
Classification: Benign for Charcot-Marie-Tooth disease axonal type 2P. Last evaluated: 2018-01-13. Review status: criteria provided, single submitter. Criteria: ICSL Variant Classification Criteria 13 December 2019. Collection method: clinical testing. Allele origin: germline.
Comment: This variant was observed in the ICSL laboratory as part of a predisposition screen in an ostensibly healthy population. It had not been previously curated by ICSL or reported in the Human Gene Mutation Database (HGMD: prior to June 1st, 2018), and was therefore a candidate for classification through an automated scoring system. Utilizing variant allele frequency, disease prevalence and penetrance estimates, and inheritance mode, an automated score was calculated to assess if this variant is too frequent to cause the disease. Based on the score and internal cut-off values, a variant classified as benign is not then subjected to further curation. The score for this variant resulted in a classification of benign for this disease.

Molecular Genetics Laboratory, London Health Sciences Centre
Classification: Likely benign for Charcot-Marie-Tooth disease. Review status: criteria provided, single submitter. Criteria: ACMG Guidelines, 2015. Collection method: clinical testing. Allele origin: germline. Affected: yes.

Clinical Genetics, Academic Medical Center
Classification: Likely benign. Review status: no assertion criteria provided. Collection method: clinical testing. Allele origin: germline. Affected: yes. Study: VKGL Data-share Consensus. Not counted in ClinVar's aggregate classification.

Genome Diagnostics Laboratory, University Medical Center Utrecht
Classification: Likely benign. Review status: no assertion criteria provided. Collection method: clinical testing. Allele origin: germline. Affected: yes. Study: VKGL Data-share Consensus. Not counted in ClinVar's aggregate classification.

Literature cited by the submitters: PubMed 32376792 (cited by Women's Health and Genetics/Laboratory Corporation of America, LabCorp).

NM_001005373.4(LRSAM1):c.268G>A (p.Asp90Asn)

Gene: LRSAM1 (leucine rich repeat and sterile alpha motif containing 1; plus strand). Cytogenetic location: 9q33.3.
Variant type: single nucleotide variant.
Coding change: c.268G>A on transcript NM_001005373.4 (MANE Select); coding-DNA position 268, G replaced by A.
Protein change: p.Asp90Asn; replaces aspartic acid 90 with asparagine.
Molecular consequence: missense variant. On other transcripts: 5 prime UTR variant (1), non-coding transcript variant (2).
Genome position (GRCh38, 1-based): chr9:127,459,018, G>A. VCF-style: chr9-127459018-G-A. GRCh37 (hg19) VCF-style: chr9-130221297-G-A.
Other names: p.Asp90Asn; c.268G>A (NM_138361.4); c.268G>A, p.Asp90Asn (NM_001005374.4, NM_001190723.3, NM_001384142.1 and 2 more transcripts); c.-517G>A (NM_001384144.1); short protein forms D90N.
Identifiers: ClinVar variation 234345 (VCV000234345.73), dbSNP rs117692127, ClinGen allele CA5246483.